The following is an entry in ClinVar:

ClinVar aggregate classification (germline): Likely pathogenic. Review status: criteria provided, single submitter (1 of 4 stars). 3 submissions from 2 submitters: Likely pathogenic (1). 2 of the submissions do not count toward it. Last evaluated 2024-09-20.

Conditions:
CDKL5 disorder. Identifiers: MedGen CN296942, MONDO:0100039.
Atypical Rett syndrome. Also called: Variant Rett Syndrome; Rett like syndrome. Identifiers: Orphanet 3095, MedGen C2748910, MONDO:0017746.

Submissions (3):

Centre for Population Genomics, CPG
Classification: Likely pathogenic for CDKL5 disorder. Last evaluated: 2024-09-20. Review status: criteria provided, single submitter. Criteria: McKnight et al. (Hum Mutat. 2022). Collection method: curation. Allele origin: germline. Inheritance: X-linked inheritance.
Comment: This variant has been collected from RettBASE and curated to current modified ACMG/AMP criteria. Based on the classification scheme defined by the ClinGen Rett/Angelman-like Expert Panel for Rett/AS-like Disorders Specifications to the ACMG/AMP Variant Interpretation Guidelines VCEP 3.0, this variant is classified as likely pathogenic. At least the following criteria are met: This variant has been identified as a de novo occurrence in an individual with CDKL5 disorder without confirmation of paternity and maternity (PM6). The computational splicing predictor SpliceAI supports a splicing alteration (score of >0.2 - AL: 89, DL: .96) (PP3_Splicing). At least one individual with this variant has been reported with a clinical phenotype consistent with CDKL5- related condition (PP4).PMID: 19241098 This variant is absent from gnomAD v4 (PM2_Supporting).

RettBASE
Classification: Likely pathogenic for Atypical Rett syndrome. Last evaluated: 2014-03-13. Review status: no assertion criteria provided. Collection method: curation. Allele origin: de novo. Affected: yes. Observed: 1 variant allele. Not counted in ClinVar's aggregate classification.
Comment: Predicted to abolish existing splice site, not tested in RNA

RettBASE
No classification provided. Review status: flagged submission. Collection method: not provided. Allele origin: not provided. Not counted in ClinVar's aggregate classification.
ClinVar note: Reason: This record appears to be redundant with a more recent record from the same submitter.
ClinVar note: Notes: SCV000189206 appears to be redundant with SCV000222288.

Literature cited by the submitters: PubMed 19241098 (cited by RettBASE).

NM_001323289.2(CDKL5):c.2376+5G>A

Gene: CDKL5 (cyclin dependent kinase like 5; plus strand). Cytogenetic location: Xp22.13.
Variant type: single nucleotide variant.
Coding change: c.2376+5G>A on transcript NM_001323289.2 (MANE Select); 5 bases into the intron after coding-DNA position 2376, G replaced by A.
Molecular consequence: intron variant.
Genome position (GRCh38, 1-based): chrX:18,619,971, G>A. VCF-style: chrX-18619971-G-A. GRCh37 (hg19) VCF-style: chrX-18638091-G-A.
Other names: c.2376+5G>A (NM_003159.3, NM_001037343.2).
Identifiers: ClinVar variation 156082 (VCV000156082.4), dbSNP rs267608657, ClinGen allele CA199367.
Genomic context (GRCh38, chrX:18,619,971, plus strand): 5'-AAGAGAAGCAAGGATTTTTCAGGTCAATGAAAAAGAAAAAGAAGAAATCTCAAACAGTAA[G>A]TAGATGACCAGTTTCTATATATAATAACATGTTTCTGCATTATTCAATGGATACTTTACA-3'